The following is an entry in ClinVar:

NM_014384.3(ACAD8):c.211-4A>G

Gene: ACAD8 (acyl-CoA dehydrogenase family member 8; plus strand). Cytogenetic location: 11q25.
Variant type: single nucleotide variant.
Coding change: c.211-4A>G on transcript NM_014384.3 (MANE Select); 4 bases into the intron before coding-DNA position 211, A replaced by G.
Molecular consequence: intron variant.
Genome position (GRCh38, 1-based): chr11:134,257,084, A>G. VCF-style: chr11-134257084-A-G. GRCh37 (hg19) VCF-style: chr11-134126978-A-G.
Other names: p.?.
Identifiers: ClinVar variation 303672 (VCV000303672.39), dbSNP rs517424, ClinGen allele CA6372879.

ClinVar aggregate classification (germline): Benign. Review status: criteria provided, multiple submitters, no conflicts (2 of 4 stars). 6 submissions from 6 submitters: Benign (5). 1 of the submissions does not count toward it. Last evaluated 2026-04-01.

Conditions:
ACAD8-related disorder. Also called: ACAD8-related condition.
Deficiency of isobutyryl-CoA dehydrogenase. Also called: IBD DEFICIENCY; ACYL-CoA DEHYDROGENASE FAMILY, MEMBER 8, DEFICIENCY OF; ACAD8 DEFICIENCY. Identifiers: Orphanet 79159, MedGen C1969809, MONDO:0012648, OMIM 611283.

Allele frequency attached by ClinVar (database versions not stated): 1000 Genomes Project 30x 0.00344; 1000 Genomes Project 0.00359; gnomAD 0.00918 and 0.00927; ESP Exome Variant Server 0.00977; TOPMed 0.00991; gnomAD exomes 0.01070 and 0.01110; ExAC 0.01098.
gnomAD v4.1: 17,718 of 1,614,122 alleles (1.1%); highest among the groups gnomAD compares: Non-Finnish European, 1.2%; 142 homozygotes.

Submissions (6):

CeGaT Center for Human Genetics Tuebingen
Classification: Benign. Last evaluated: 2026-04-01. Review status: criteria provided, single submitter. Criteria: CeGaT Center For Human Genetics Tuebingen Variant Classification Criteria Version 2. Collection method: clinical testing. Allele origin: germline. Affected: yes. Observed: 4 variant alleles.
Comment: ACAD8: BP4, BS1, BS2

Labcorp Genetics (formerly Invitae), Labcorp
Classification: Benign for Deficiency of isobutyryl-CoA dehydrogenase. Last evaluated: 2026-01-21. Review status: criteria provided, single submitter. Criteria: Invitae Variant Classification Sherloc (09022015). Collection method: clinical testing. Allele origin: germline.

Mayo Clinic Laboratories, Mayo Clinic
Classification: Benign. Last evaluated: 2021-06-28. Review status: criteria provided, single submitter. Criteria: ACMG Guidelines, 2015. Collection method: clinical testing. Allele origin: germline. Observed: 5 variant alleles.

Illumina Laboratory Services, Illumina
Classification: Benign for Deficiency of isobutyryl-CoA dehydrogenase. Last evaluated: 2018-01-12. Review status: criteria provided, single submitter. Criteria: ICSL Variant Classification Criteria 13 December 2019. Collection method: clinical testing. Allele origin: germline.
Comment: This variant was observed in the ICSL laboratory as part of a predisposition screen in an ostensibly healthy population. It had not been previously curated by ICSL or reported in the Human Gene Mutation Database (HGMD: prior to June 1st, 2018), and was therefore a candidate for classification through an automated scoring system. Utilizing variant allele frequency, disease prevalence and penetrance estimates, and inheritance mode, an automated score was calculated to assess if this variant is too frequent to cause the disease. Based on the score and internal cut-off values, a variant classified as benign is not then subjected to further curation. The score for this variant resulted in a classification of benign for this disease.

Breakthrough Genomics
Classification: Benign. Review status: criteria provided, single submitter. Criteria: ACMG Guidelines, 2015. Collection method: not provided. Allele origin: germline. Inheritance: Autosomal recessive inheritance. Affected: yes.

PreventionGenetics, part of Exact Sciences
Classification: Benign for ACAD8-related condition. Last evaluated: 2019-10-28. Review status: no assertion criteria provided. Collection method: clinical testing. Allele origin: germline. Not counted in ClinVar's aggregate classification.
Comment: This variant is classified as benign based on ACMG/AMP sequence variant interpretation guidelines (Richards et al. 2015 PMID: 25741868, with internal and published modifications).